The following is an entry in ClinVar:

ClinVar aggregate classification (germline): Uncertain significance (1 of 4 stars; one submission).

Conditions:
Inborn genetic diseases. Identifiers: MedGen C0950123, MeSH D030342.

Submission:

Ambry Genetics
Classification: Uncertain significance for Inborn genetic diseases. Last evaluated: 2019-09-26. Review status: criteria provided, single submitter. Criteria: Ambry Variant Classification Scheme 2023. Collection method: clinical testing. Allele origin: germline.
Comment: The p.S331A variant (also known as c.991T>G), located in coding exon 5 of the SPG11 gene, results from a T to G substitution at nucleotide position 991. The serine at codon 331 is replaced by alanine, an amino acid with similar properties. This amino acid position is highly conserved in available vertebrate species. In addition, this alteration is predicted to be tolerated by in silico analysis. Since supporting evidence is limited at this time, the clinical significance of this alteration remains unclear.

NM_025137.4(SPG11):c.991T>G (p.Ser331Ala)

Gene: SPG11 (SPG11 vesicle trafficking associated, spatacsin; minus strand). Cytogenetic location: 15q21.1.
Variant type: single nucleotide variant.
Coding change: c.991T>G on transcript NM_025137.4 (MANE Select); coding-DNA position 991, T replaced by G.
Protein change: p.Ser331Ala; replaces serine 331 with alanine.
Molecular consequence: missense variant.
Genome position (GRCh38, 1-based): chr15:44,652,145, A>C on the plus strand (T>G on the coding strand, the complement: SPG11 is on the minus strand). VCF-style: chr15-44652145-A-C. GRCh37 (hg19) VCF-style: chr15-44944343-A-C.
Other names: c.991T>G, p.Ser331Ala (NM_001160227.2, NM_001411132.1); short protein forms S331A.
Identifiers: ClinVar variation 1768619 (VCV001768619.2), dbSNP rs2084801011, ClinGen allele CA392236846.